The following is an entry in ClinVar:

ClinVar aggregate classification (germline): Uncertain significance (1 of 4 stars; one submission).

Conditions:
Complement component 3 deficiency. Identifiers: Orphanet 280133, MedGen C3151071, MONDO:0013417, OMIM 613779.
C3 glomerulonephritis. Also called: Nephropathy due to CFHR5 Deficiency; C3 GLOMERULOPATHY 3. Identifiers: Orphanet 329931, MedGen C4055342, MONDO:0013892, OMIM 614809.
Atypical hemolytic-uremic syndrome. Identifiers: Orphanet 2134, MedGen C2931788, MONDO:0016244.

Submission:

Genomenon, Inc
Classification: Uncertain significance for Complement component 3 deficiency; C3 glomerulonephritis; Atypical hemolytic-uremic syndrome. Last evaluated: 2025-09-30. Review status: criteria provided, single submitter. Criteria: Genomenon Sequence Variant Interpretation Standards. Collection method: curation. Allele origin: germline. Affected: no.
Comment: C3 p.Glu1159Ala (c.3476A>C) is a missense variant that changes the amino acid at residue 1159 from Glutamic acid to Alanine. This variant has been reported in the published literature (PMID:20951140;11034390;20083651;20091675). It is absent or not present at a significant frequency in gnomAD. In silico models agree that this variant is not damaging. In conclusion, we classify C3 p.Glu1159Ala (c.3476A>C) as a variant of unknown significance.

Literature cited by the submitters: PubMed 20951140; PubMed 11034390; PubMed 20083651; PubMed 20091675.

NM_000064.4(C3):c.3476A>C (p.Glu1159Ala)

Gene: C3 (complement C3; minus strand). Cytogenetic location: 19p13.3.
Variant type: single nucleotide variant.
Coding change: c.3476A>C on transcript NM_000064.4 (MANE Select); coding-DNA position 3476, A replaced by C.
Protein change: p.Glu1159Ala; replaces glutamic acid 1159 with alanine.
Molecular consequence: missense variant.
Genome position (GRCh38, 1-based): chr19:6,690,642, T>G on the plus strand (A>C on the coding strand, the complement: C3 is on the minus strand). VCF-style: chr19-6690642-T-G. GRCh37 (hg19) VCF-style: chr19-6690653-T-G.
Other names: short protein forms E1159A.
Identifiers: ClinVar variation 4280213 (VCV004280213.1).
Genomic context (GRCh38, chr19:6,690,642, plus strand): 5'-CTGCATCGGGTAAGGTAGGGTAGGGTGGGAAGATGGAGGGCACTTACGTTGACCTGCTCC[T>G]CGCAAATATCTTTAGCCTCCTGCAGCGAGATGAGAACAAAGGCCGTGAGGGCCATGTCTT-3'
Protein context (NP_000055.2, residues 1149-1169): ISLQEAKDIC[Glu1159Ala]EQVNSLPGSI